The following is an entry in ClinVar:

NM_001242896.3(DEPDC5):c.2036G>A (p.Gly679Asp)

Gene: DEPDC5 (DEP domain containing 5, GATOR1 subcomplex subunit; plus strand). Cytogenetic location: 22q12.3.
Variant type: single nucleotide variant.
Coding change: c.2036G>A on transcript NM_001242896.3 (MANE Select); coding-DNA position 2036, G replaced by A.
Protein change: p.Gly679Asp; replaces glycine 679 with aspartic acid.
Molecular consequence: missense variant. On other transcripts: non-coding transcript variant (4), intron variant (3).
Genome position (GRCh38, 1-based): chr22:31,822,722, G>A. VCF-style: chr22-31822722-G-A. GRCh37 (hg19) VCF-style: chr22-32218708-G-A.
Other names: c.2036G>A, p.Gly679Asp (NM_001136029.4, NM_001363852.2, NM_001364318.2 and 3 more transcripts); c.1952G>A, p.Gly651Asp (NM_001369901.1, NM_001369902.1); c.1870+3497G>A (NM_001363854.2, NM_001242897.2, NM_001364319.2); short protein forms G651D, G679D.
Identifiers: ClinVar variation 1063515 (VCV001063515.9), dbSNP rs865876158, ClinGen allele CA323323308.
Genomic context (GRCh38, chr22:31,822,722, plus strand): 5'-AAGCCAGGTGGCTGGGCTCTGTTCTCTGCAGGCACAGCAATTCCCGCCAGCCTGGTGACG[G>A]CATGTCCTTCTTGAACTTCAGTGGAACAGAGGAGCTTTCTGTCGGCCTGCTTAGCAACAG-3'
Protein context (NP_001229825.1, residues 669-689): RHSNSRQPGD[Gly679Asp]MSFLNFSGTE

ClinVar aggregate classification (germline): Uncertain significance (1 of 4 stars; one submission).

Conditions:
Familial focal epilepsy with variable foci (FPEVF). Identifiers: Orphanet 98820, MedGen C1858477, MONDO:0020310.

Allele frequency attached by ClinVar (database versions not stated): gnomAD exomes below 0.00001.

Submission:

Labcorp Genetics (formerly Invitae), Labcorp
Classification: Uncertain significance for Familial focal epilepsy with variable foci. Last evaluated: 2020-04-01. Review status: criteria provided, single submitter. Criteria: Invitae Variant Classification Sherloc (09022015). Collection method: clinical testing. Allele origin: germline.
Comment: In summary, the available evidence is currently insufficient to determine the role of this variant in disease. Therefore, it has been classified as a Variant of Uncertain Significance. Algorithms developed to predict the effect of missense changes on protein structure and function are either unavailable or do not agree on the potential impact of this missense change (SIFT: "Tolerated"; PolyPhen-2: "Not Available"; Align-GVGD: "Class C0"). This variant has not been reported in the literature in individuals with DEPDC5-related conditions. This variant is not present in population databases (ExAC no frequency). This sequence change replaces glycine with aspartic acid at codon 679 of the DEPDC5 protein (p.Gly679Asp). The glycine residue is weakly conserved and there is a moderate physicochemical difference between glycine and aspartic acid.